The following is an entry in ClinVar:

ClinVar aggregate classification (germline): Uncertain significance (1 of 4 stars; one submission).

Conditions:
Nemaline myopathy 2 (NEM2). Also called: Nemaline myopathy 2, autosomal recessive. Identifiers: MedGen C1850569, MONDO:0009725, OMIM 256030.

Submission:

Labcorp Genetics (formerly Invitae), Labcorp
Classification: Uncertain significance for Nemaline myopathy 2. Last evaluated: 2021-08-27. Review status: criteria provided, single submitter. Criteria: Invitae Variant Classification Sherloc (09022015). Collection method: clinical testing. Allele origin: germline.
Comment: This sequence change replaces tyrosine with histidine at codon 1052 of the NEB protein (p.Tyr1052His). The tyrosine residue is moderately conserved and there is a moderate physicochemical difference between tyrosine and histidine. This variant is not present in population databases (ExAC no frequency). This variant has not been reported in the literature in individuals affected with NEB-related conditions. Algorithms developed to predict the effect of missense changes on protein structure and function are either unavailable or do not agree on the potential impact of this missense change (SIFT: "Deleterious"; PolyPhen-2: "Not Available"; Align-GVGD: "Class C0"). In summary, the available evidence is currently insufficient to determine the role of this variant in disease. Therefore, it has been classified as a Variant of Uncertain Significance.

NM_001164508.2(NEB):c.3154T>C (p.Tyr1052His)

Gene: NEB (nebulin; minus strand). Cytogenetic location: 2q23.3.
Variant type: single nucleotide variant.
Coding change: c.3154T>C on transcript NM_001164508.2 (MANE Select); coding-DNA position 3154, T replaced by C.
Protein change: p.Tyr1052His; replaces tyrosine 1052 with histidine.
Molecular consequence: missense variant.
Genome position (GRCh38, 1-based): chr2:151,679,822, A>G on the plus strand (T>C on the coding strand, the complement: NEB is on the minus strand). VCF-style: chr2-151679822-A-G. GRCh37 (hg19) VCF-style: chr2-152536336-A-G.
Other names: c.3154T>C, p.Tyr1052His (NM_001164507.2, NM_001271208.2, NM_004543.5); short protein forms Y1052H.
Identifiers: ClinVar variation 534014 (VCV000534014.6), dbSNP rs1553539456, ClinGen allele CA348820354.